The following is an entry in ClinVar:

ClinVar aggregate classification (germline): Uncertain significance (1 of 4 stars; one submission).

gnomAD v4.1: 1 of 1,613,634 alleles (0.000062%); highest among the groups gnomAD compares: Non-Finnish European, 0.000085%; no homozygotes.

Submission:

Labcorp Genetics (formerly Invitae), Labcorp
Classification: Uncertain significance. Last evaluated: 2024-04-11. Review status: criteria provided, single submitter. Criteria: Invitae Variant Classification Sherloc (09022015). Collection method: clinical testing. Allele origin: germline.
Comment: This sequence change replaces glycine, which is neutral and non-polar, with serine, which is neutral and polar, at codon 279 of the RBBP8 protein (p.Gly279Ser). This variant is not present in population databases (gnomAD no frequency). This variant has not been reported in the literature in individuals affected with RBBP8-related conditions. Advanced modeling of protein sequence and biophysical properties (such as structural, functional, and spatial information, amino acid conservation, physicochemical variation, residue mobility, and thermodynamic stability) performed at Invitae indicates that this missense variant is not expected to disrupt RBBP8 protein function with a negative predictive value of 80%. In summary, the available evidence is currently insufficient to determine the role of this variant in disease. Therefore, it has been classified as a Variant of Uncertain Significance.

NM_002894.3(RBBP8):c.835G>A (p.Gly279Ser)

Gene: RBBP8 (RB binding protein 8, endonuclease; plus strand). Cytogenetic location: 18q11.2.
Variant type: single nucleotide variant.
Coding change: c.835G>A on transcript NM_002894.3 (MANE Select); coding-DNA position 835, G replaced by A.
Protein change: p.Gly279Ser; replaces glycine 279 with serine.
Molecular consequence: missense variant.
Genome position (GRCh38, 1-based): chr18:22,990,964, G>A. VCF-style: chr18-22990964-G-A. GRCh37 (hg19) VCF-style: chr18-20570927-G-A.
Other names: c.835G>A, p.Gly279Ser (NM_203291.2, NM_203292.2); short protein forms G279S.
Identifiers: ClinVar variation 3682709 (VCV003682709.2).
Genomic context (GRCh38, chr18:22,990,964, plus strand): 5'-TACATGGATGTGCTTCATATTTTACTCTTGAAGGAAACTCAAGGTCCCATGAGCCCCCTT[G>A]GTGATGAGCTCTACCACTGTCTGGAAGGAAATCACAAGAAACAGCCTTTTGAGGAATCTA-3'
Protein context (NP_002885.1, residues 269-289): SETQGPMSPL[Gly279Ser]DELYHCLEGN